The following is an entry in ClinVar:

ClinVar aggregate classification (germline): Uncertain significance (1 of 4 stars; one submission).

Conditions:
Inflammatory skin and bowel disease, neonatal, 1. Identifiers: Orphanet 294023, MedGen C3280501, MONDO:0013693, OMIM 614328.

Submission:

Labcorp Genetics (formerly Invitae), Labcorp
Classification: Uncertain significance for Inflammatory skin and bowel disease, neonatal, 1. Last evaluated: 2022-08-16. Review status: criteria provided, single submitter. Criteria: Invitae Variant Classification Sherloc (09022015). Collection method: clinical testing. Allele origin: germline.
Comment: This sequence change creates a premature translational stop signal (p.Leu705Valfs*7) in the ADAM17 gene. While this is not anticipated to result in nonsense mediated decay, it is expected to disrupt the last 120 amino acid(s) of the ADAM17 protein. This variant is present in population databases (rs767985722, gnomAD 0.04%). This variant has not been reported in the literature in individuals affected with ADAM17-related conditions. Experimental studies and prediction algorithms are not available or were not evaluated, and the functional significance of this variant is currently unknown. In summary, the available evidence is currently insufficient to determine the role of this variant in disease. Therefore, it has been classified as a Variant of Uncertain Significance.

NM_003183.6(ADAM17):c.2113_2114del (p.Leu705fs)

Genes: ADAM17 (ADAM metallopeptidase domain 17; minus strand), IAH1 (isoamyl acetate hydrolyzing esterase 1 (putative); plus strand). Cytogenetic location: 2p25.1.
Variant type: Microsatellite.
Coding change: c.2113_2114del on transcript NM_003183.6 (MANE Select); coding-DNA positions 2113 to 2114, 2 bases deleted (CT; older notation c.2113_2114delCT).
Protein change: p.Leu705fs; shifts the reading frame from leucine 705.
Molecular consequence: frameshift variant.
Genome position (GRCh38, 1-based): chr2:9,491,120-9,491,121, AG deleted on the plus strand (CT on the coding strand, the reverse complement: ADAM17 is on the minus strand); deleting any 2 consecutive bases within chr2:9,491,120-9,491,124 gives the same sequence; the c. name uses the placement nearest the transcript's 3' end. VCF-style (leftmost placement, unchanged base first): chr2-9491119-CAG-C. GRCh37 (hg19) VCF-style: chr2-9631248-CAG-C.
Other names: c.1453_1454del, p.Leu485fs (NM_001382777.1); c.1216_1217del, p.Leu406fs (NM_001382778.1); short protein forms L406fs, L705fs, L485fs.
Identifiers: ClinVar variation 1927864 (VCV001927864.2), dbSNP rs767985722, ClinGen allele CA1523311.